The following is an entry in ClinVar:

NM_015346.4(ZFYVE26):c.2530G>A (p.Gly844Arg)

Gene: ZFYVE26 (zinc finger FYVE-type containing 26; minus strand). Cytogenetic location: 14q24.1.
Variant type: single nucleotide variant.
Coding change: c.2530G>A on transcript NM_015346.4 (MANE Select); coding-DNA position 2530, G replaced by A.
Protein change: p.Gly844Arg; replaces glycine 844 with arginine.
Molecular consequence: missense variant.
Genome position (GRCh38, 1-based): chr14:67,793,631, C>T on the plus strand (G>A on the coding strand, the complement: ZFYVE26 is on the minus strand). VCF-style: chr14-67793631-C-T. GRCh37 (hg19) VCF-style: chr14-68260348-C-T.
Other names: short protein forms G844R.
Identifiers: ClinVar variation 2069217 (VCV002069217.1), dbSNP rs368773761, ClinGen allele CA7240251.

ClinVar aggregate classification (germline): Uncertain significance (1 of 4 stars; one submission).

Conditions:
Spastic paraplegia. Identifiers: MedGen C0037772, HP:0001258.

Allele frequency attached by ClinVar (database versions not stated): ExAC 0.00001; gnomAD exomes 0.00002; TOPMed 0.00003; gnomAD 0.00004; ESP Exome Variant Server 0.00008; 1000 Genomes Project 30x 0.00016.
gnomAD v4.1: 35 of 1,613,622 alleles (0.0022%); highest among the groups gnomAD compares: African/African-American, 0.012%; no homozygotes.

Submission:

Labcorp Genetics (formerly Invitae), Labcorp
Classification: Uncertain significance for Spastic paraplegia. Last evaluated: 2022-04-26. Review status: criteria provided, single submitter. Criteria: Invitae Variant Classification Sherloc (09022015). Collection method: clinical testing. Allele origin: germline.
Comment: This sequence change replaces glycine, which is neutral and non-polar, with arginine, which is basic and polar, at codon 844 of the ZFYVE26 protein (p.Gly844Arg). This variant is present in population databases (rs368773761, gnomAD 0.004%). This variant has not been reported in the literature in individuals affected with ZFYVE26-related conditions. Algorithms developed to predict the effect of missense changes on protein structure and function are either unavailable or do not agree on the potential impact of this missense change (SIFT: "Tolerated"; PolyPhen-2: "Probably Damaging"; Align-GVGD: "Class C0"). Algorithms developed to predict the effect of sequence changes on RNA splicing suggest that this variant may create or strengthen a splice site. In summary, the available evidence is currently insufficient to determine the role of this variant in disease. Therefore, it has been classified as a Variant of Uncertain Significance.